The following is an entry in ClinVar:

NM_001211.6(BUB1B):c.2246C>A (p.Pro749Gln)

Gene: BUB1B (BUB1 mitotic checkpoint serine/threonine kinase B; plus strand). Cytogenetic location: 15q15.1.
Variant type: single nucleotide variant.
Coding change: c.2246C>A on transcript NM_001211.6 (MANE Select); coding-DNA position 2246, C replaced by A.
Protein change: p.Pro749Gln; replaces proline 749 with glutamine.
Molecular consequence: missense variant.
Genome position (GRCh38, 1-based): chr15:40,209,737, C>A. VCF-style: chr15-40209737-C-A. GRCh37 (hg19) VCF-style: chr15-40501938-C-A.
Other names: short protein forms P749Q.
Identifiers: ClinVar variation 4216973 (VCV004216973.1).

ClinVar aggregate classification (germline): Uncertain significance (1 of 4 stars; one submission).

Conditions:
Inborn genetic diseases. Identifiers: MedGen C0950123, MeSH D030342.

Submission:

Ambry Genetics
Classification: Uncertain significance for Inborn genetic diseases. Last evaluated: 2025-08-30. Review status: criteria provided, single submitter. Criteria: Ambry Variant Classification Scheme 2023. Collection method: clinical testing. Allele origin: germline.
Comment: The p.P749Q variant (also known as c.2246C>A), located in coding exon 17 of the BUB1B gene, results from a C to A substitution at nucleotide position 2246. The proline at codon 749 is replaced by glutamine, an amino acid with similar properties. This amino acid position is conserved. In addition, this alteration is predicted to be tolerated by in silico analysis. Based on the available evidence, the clinical significance of this variant remains unclear.